The following is an entry in ClinVar:

NM_014915.3(ANKRD26):c.3356A>C (p.Gln1119Pro)

Gene: ANKRD26 (ankyrin repeat domain 26; minus strand). Cytogenetic location: 10p12.1.
Variant type: single nucleotide variant.
Coding change: c.3356A>C on transcript NM_014915.3 (MANE Select); coding-DNA position 3356, A replaced by C.
Protein change: p.Gln1119Pro; replaces glutamine 1119 with proline.
Molecular consequence: missense variant.
Genome position (GRCh38, 1-based): chr10:27,035,094, T>G on the plus strand (A>C on the coding strand, the complement: ANKRD26 is on the minus strand). VCF-style: chr10-27035094-T-G. GRCh37 (hg19) VCF-style: chr10-27324023-T-G.
Other names: c.3353A>C, p.Gln1118Pro (NM_001256053.2); short protein forms Q1119P, Q1118P.
Identifiers: ClinVar variation 2175975 (VCV002175975.5), dbSNP rs1385594419, ClinGen allele CA376363113.
Genomic context (GRCh38, chr10:27,035,094, plus strand): 5'-AGTTGAGACAATCTCTCCTCTACAGACTCCTGCTTTCCAATGTATTTATTCACTTTAACT[T>G]GTTCATTTTGATACTTTTGTTCCATTTCCTTCATTTGACACTGTGTTTGGCTTAGGTCCT-3'
Protein context (NP_055730.2, residues 1109-1129): KEMEQKYQNE[Gln1119Pro]VKVNKYIGKQ

ClinVar aggregate classification (germline): Uncertain significance. Review status: criteria provided, multiple submitters, no conflicts (2 of 4 stars). 2 submissions from 2 submitters: Uncertain significance (2). Last evaluated 2025-08-20.

Conditions:
Inborn genetic diseases. Identifiers: MedGen C0950123, MeSH D030342.

gnomAD v4.1: 1 of 1,612,656 alleles (0.000062%); highest among the groups gnomAD compares: African/African-American, 0.0013%; no homozygotes.

Submissions (2):

Ambry Genetics
Classification: Uncertain significance for Inborn genetic diseases. Last evaluated: 2025-08-20. Review status: criteria provided, single submitter. Criteria: Ambry Variant Classification Scheme 2023. Collection method: clinical testing. Allele origin: germline.
Comment: The p.Q1119P variant (also known as c.3356A>C), located in coding exon 24 of the ANKRD26 gene, results from an A to C substitution at nucleotide position 3356. The glutamine at codon 1119 is replaced by proline, an amino acid with similar properties. This amino acid position is conserved. In addition, this alteration is predicted to be tolerated by in silico analysis. Based on the available evidence, the clinical significance of this variant remains unclear.

Labcorp Genetics (formerly Invitae), Labcorp
Classification: Uncertain significance. Last evaluated: 2024-02-23. Review status: criteria provided, single submitter. Criteria: Invitae Variant Classification Sherloc (09022015). Collection method: clinical testing. Allele origin: germline.
Comment: This sequence change replaces glutamine, which is neutral and polar, with proline, which is neutral and non-polar, at codon 1119 of the ANKRD26 protein (p.Gln1119Pro). This variant is not present in population databases (gnomAD no frequency). This variant has not been reported in the literature in individuals affected with ANKRD26-related conditions. ClinVar contains an entry for this variant (Variation ID: 2175975). An algorithm developed to predict the effect of missense changes on protein structure and function (PolyPhen-2) suggests that this variant is likely to be disruptive. In summary, the available evidence is currently insufficient to determine the role of this variant in disease. Therefore, it has been classified as a Variant of Uncertain Significance.